The following is an entry in ClinVar:

ClinVar aggregate classification (germline): Uncertain significance (1 of 4 stars; one submission).

Allele frequency attached by ClinVar (database versions not stated): gnomAD 0.00001; gnomAD exomes 0.00009 and 0.00019; ExAC 0.00020.
gnomAD v4.1: 135 of 1,599,986 alleles (0.0084%); highest among the groups gnomAD compares: South Asian, 0.14%; 1 homozygote.

Submission:

Labcorp Genetics (formerly Invitae), Labcorp
Classification: Uncertain significance. Last evaluated: 2021-11-14. Review status: criteria provided, single submitter. Criteria: Invitae Variant Classification Sherloc (09022015). Collection method: clinical testing. Allele origin: germline.
Comment: This sequence change replaces threonine, which is neutral and polar, with isoleucine, which is neutral and non-polar, at codon 337 of the RIN2 protein (p.Thr337Ile). This variant is present in population databases (rs769185911, gnomAD 0.2%). This variant has not been reported in the literature in individuals affected with RIN2-related conditions. Algorithms developed to predict the effect of missense changes on protein structure and function are either unavailable or do not agree on the potential impact of this missense change (SIFT: "Tolerated"; PolyPhen-2: "Not Available"; Align-GVGD: "Class C0"). In summary, the available evidence is currently insufficient to determine the role of this variant in disease. Therefore, it has been classified as a Variant of Uncertain Significance.

NM_018993.4(RIN2):c.1010C>T (p.Thr337Ile)

Gene: RIN2 (Ras and Rab interactor 2; plus strand). Cytogenetic location: 20p11.23.
Variant type: single nucleotide variant.
Coding change: c.1010C>T on transcript NM_018993.4 (MANE Select); coding-DNA position 1010, C replaced by T.
Protein change: p.Thr337Ile; replaces threonine 337 with isoleucine.
Molecular consequence: missense variant.
Genome position (GRCh38, 1-based): chr20:19,975,035, C>T. VCF-style: chr20-19975035-C-T. GRCh37 (hg19) VCF-style: chr20-19955679-C-T.
Other names: c.1157C>T, p.Thr386Ile (NM_001242581.2); c.392C>T, p.Thr131Ile (NM_001378238.1); short protein forms T131I, T337I, T386I.
Identifiers: ClinVar variation 1392008 (VCV001392008.3), dbSNP rs769185911, ClinGen allele CA9779992.